The following is an entry in ClinVar:

NM_020839.4(WDR48):c.48+9G>C

Gene: WDR48 (WD repeat domain 48; plus strand). Cytogenetic location: 3p22.2.
Variant type: single nucleotide variant.
Coding change: c.48+9G>C on transcript NM_020839.4 (MANE Select); 9 bases into the intron after coding-DNA position 48, G replaced by C.
Molecular consequence: intron variant.
Genome position (GRCh38, 1-based): chr3:39,052,082, G>C. VCF-style: chr3-39052082-G-C. GRCh37 (hg19) VCF-style: chr3-39093573-G-C.
Other names: c.48+9G>C (NM_001346225.2, NM_001303403.2); c.-348+9G>C (NM_001346227.2); c.-120+9G>C (NM_001346226.2, NM_001303402.2).
Identifiers: ClinVar variation 2653682 (VCV002653682.24), dbSNP rs201155629, ClinGen allele CA2322836.

ClinVar aggregate classification (germline): Likely benign (1 of 4 stars; one submission).

Allele frequency attached by ClinVar (database versions not stated): 1000 Genomes Project 0.00040; 1000 Genomes Project 30x 0.00062; gnomAD 0.00088; ESP Exome Variant Server 0.00154; ExAC 0.00164.

Submission:

CeGaT Center for Human Genetics Tuebingen
Classification: Likely benign. Last evaluated: 2023-01-01. Review status: criteria provided, single submitter. Criteria: CeGaT Center For Human Genetics Tuebingen Variant Classification Criteria Version 2. Collection method: clinical testing. Allele origin: germline. Affected: yes. Observed: 1 variant allele.
Comment: WDR48: BP4, BS1